The following is an entry in ClinVar:

NM_001378454.1(ALMS1):c.4149A>G (p.Gln1383=)

Gene: ALMS1 (ALMS1 centrosome and basal body associated protein; plus strand). Cytogenetic location: 2p13.1.
Variant type: single nucleotide variant.
Coding change: c.4149A>G on transcript NM_001378454.1 (MANE Select); coding-DNA position 4149, A replaced by G.
Protein change: p.Gln1383=; no amino-acid change (glutamine 1383 retained).
Molecular consequence: synonymous variant.
Genome position (GRCh38, 1-based): chr2:73,450,676, A>G. VCF-style: chr2-73450676-A-G. GRCh37 (hg19) VCF-style: chr2-73677803-A-G.
Other names: c.4152A>G, p.Gln1384= (NM_015120.4).
Identifiers: ClinVar variation 510091 (VCV000510091.43), dbSNP rs370508895, ClinGen allele CA1713646.

ClinVar aggregate classification (germline): Likely benign. Review status: criteria provided, multiple submitters, no conflicts (2 of 4 stars). 7 submissions from 7 submitters: Likely benign (7). Last evaluated 2026-01-26.

Conditions:
Cardiovascular phenotype. Identifiers: MedGen CN230736.
Alstrom syndrome (ALMS). Identifiers: Orphanet 64, MedGen C0268425, MONDO:0008763, OMIM 203800.

Allele frequency attached by ClinVar (database versions not stated): ESP Exome Variant Server 0.00008; gnomAD exomes 0.00012 and 0.00027; gnomAD 0.00016; ExAC 0.00017; 1000 Genomes Project 0.00020; TOPMed 0.00028; 1000 Genomes Project 30x 0.00031.
gnomAD v4.1: 208 of 1,612,378 alleles (0.013%); highest among the groups gnomAD compares: Admixed American, 0.12%; no homozygotes.

Submissions (7):

Labcorp Genetics (formerly Invitae), Labcorp
Classification: Likely benign for Alstrom syndrome. Last evaluated: 2026-01-26. Review status: criteria provided, single submitter. Criteria: Invitae Variant Classification Sherloc (09022015). Collection method: clinical testing. Allele origin: germline.

Blueprint Genetics
Classification: Likely benign. Last evaluated: 2024-11-04. Review status: criteria provided, single submitter. Criteria: ACMG Guidelines, 2015. Collection method: clinical testing. Allele origin: germline.

Women's Health and Genetics/Laboratory Corporation of America, LabCorp
Classification: Likely benign. Last evaluated: 2023-08-19. Review status: criteria provided, single submitter. Criteria: LabCorp Variant Classification Summary - May 2015. Collection method: clinical testing. Allele origin: germline.

CeGaT Center for Human Genetics Tuebingen
Classification: Likely benign. Last evaluated: 2022-07-01. Review status: criteria provided, single submitter. Criteria: CeGaT Center For Human Genetics Tuebingen Variant Classification Criteria Version 2. Collection method: clinical testing. Allele origin: germline. Affected: yes. Observed: 1 variant allele.
Comment: ALMS1: BP4, BP7

ARUP Laboratories, Molecular Genetics and Genomics, ARUP Laboratories
Classification: Likely benign for Alstrom syndrome. Last evaluated: 2022-03-08. Review status: criteria provided, single submitter. Criteria: ARUP Molecular Germline Variant Investigation Process 2021. Collection method: clinical testing. Allele origin: germline.

GeneDx
Classification: Likely benign. Last evaluated: 2021-04-09. Review status: criteria provided, single submitter. Criteria: GeneDx Variant Classification Process June 2021. Collection method: clinical testing. Allele origin: germline. Affected: yes.

Ambry Genetics
Classification: Likely benign for Cardiovascular phenotype. Last evaluated: 2020-10-28. Review status: criteria provided, single submitter. Criteria: Ambry Variant Classification Scheme 2023. Collection method: clinical testing. Allele origin: germline.